The following is an entry in ClinVar:

NM_006502.3(POLH):c.*2975C>A

Gene: POLH (DNA polymerase eta; plus strand). Cytogenetic location: 6p21.1.
Variant type: single nucleotide variant.
Coding change: c.*2975C>A on transcript NM_006502.3 (MANE Select); 2975 bases downstream of the stop codon, C replaced by A.
Molecular consequence: 3 prime UTR variant.
Genome position (GRCh38, 1-based): chr6:43,617,532, C>A. VCF-style: chr6-43617532-C-A. GRCh37 (hg19) VCF-style: chr6-43585269-C-A.
Other names: c.*2975C>A (NM_001291969.2); c.*3801C>A (NM_001291970.2).
Identifiers: ClinVar variation 356973 (VCV000356973.7), dbSNP rs112207298, ClinGen allele CA10622178.

ClinVar aggregate classification (germline): Benign (1 of 4 stars; one submission).

Conditions:
Xeroderma pigmentosum variant type. Also called: POLH-Related Xeroderma Pigmentosum; PHOTOSENSITIVITY WITH DEFECTIVE DNA SYNTHESIS; XERODERMA PIGMENTOSUM WITH NORMAL DNA REPAIR RATES. Identifiers: Orphanet 90342, MedGen C1848410, MONDO:0010214, OMIM 278750.

Allele frequency attached by ClinVar (database versions not stated): 1000 Genomes Project 0.03255; gnomAD 0.03305 and 0.03584; 1000 Genomes Project 30x 0.03654; TOPMed 0.03772.
gnomAD v4.1: 4,990 of 151,970 alleles (3.3%); highest among the groups gnomAD compares: African/African-American, 11%; 263 homozygotes.

Submission:

Illumina Laboratory Services, Illumina
Classification: Benign for Xeroderma pigmentosum variant type. Last evaluated: 2018-01-13. Review status: criteria provided, single submitter. Criteria: ICSL Variant Classification Criteria 13 December 2019. Collection method: clinical testing. Allele origin: germline.
Comment: This variant was observed in the ICSL laboratory as part of a predisposition screen in an ostensibly healthy population. It had not been previously curated by ICSL or reported in the Human Gene Mutation Database (HGMD: prior to June 1st, 2018), and was therefore a candidate for classification through an automated scoring system. Utilizing variant allele frequency, disease prevalence and penetrance estimates, and inheritance mode, an automated score was calculated to assess if this variant is too frequent to cause the disease. Based on the score and internal cut-off values, a variant classified as benign is not then subjected to further curation. The score for this variant resulted in a classification of benign for this disease.